The following is an entry in ClinVar:

ClinVar aggregate classification (germline): Likely benign. Review status: criteria provided, multiple submitters, no conflicts (2 of 4 stars). 4 submissions from 4 submitters: Likely benign (3). 1 of the submissions does not count toward it. Last evaluated 2026-01-27.

Conditions:
DHX38-related disorder. Also called: DHX38-related condition.

Allele frequency attached by ClinVar (database versions not stated): 1000 Genomes Project 0.00100; 1000 Genomes Project 30x 0.00109; TOPMed 0.00228; gnomAD 0.00241 and 0.00246; gnomAD exomes 0.00281; ESP Exome Variant Server 0.00339; ExAC 0.00363.

Submissions (4):

Labcorp Genetics (formerly Invitae), Labcorp
Classification: Likely benign. Last evaluated: 2026-01-27. Review status: criteria provided, single submitter. Criteria: Invitae Variant Classification Sherloc (09022015). Collection method: clinical testing. Allele origin: germline.

Blueprint Genetics
Classification: Likely benign. Last evaluated: 2024-11-26. Review status: criteria provided, single submitter. Criteria: ACMG Guidelines, 2015. Collection method: clinical testing. Allele origin: germline.

CeGaT Center for Human Genetics Tuebingen
Classification: Likely benign. Last evaluated: 2022-01-01. Review status: criteria provided, single submitter. Criteria: CeGaT Center For Human Genetics Tuebingen Variant Classification Criteria Version 2. Collection method: clinical testing. Allele origin: germline. Affected: yes. Observed: 1 variant allele.

PreventionGenetics, part of Exact Sciences
Classification: Likely benign for DHX38-related condition. Last evaluated: 2020-02-27. Review status: no assertion criteria provided. Collection method: clinical testing. Allele origin: germline. Not counted in ClinVar's aggregate classification.
Comment: This variant is classified as likely benign based on ACMG/AMP sequence variant interpretation guidelines (Richards et al. 2015 PMID: 25741868, with internal and published modifications).

NM_014003.4(DHX38):c.901G>A (p.Glu301Lys)

Gene: DHX38 (DEAH-box helicase 38; plus strand). Cytogenetic location: 16q22.2.
Variant type: single nucleotide variant.
Coding change: c.901G>A on transcript NM_014003.4 (MANE Select); coding-DNA position 901, G replaced by A.
Protein change: p.Glu301Lys; replaces glutamic acid 301 with lysine.
Molecular consequence: missense variant.
Genome position (GRCh38, 1-based): chr16:72,099,221, G>A. VCF-style: chr16-72099221-G-A. GRCh37 (hg19) VCF-style: chr16-72133120-G-A.
Other names: short protein forms E301K.
Identifiers: ClinVar variation 734273 (VCV000734273.44), dbSNP rs61749037, ClinGen allele CA8160128.
Genomic context (GRCh38, chr16:72,099,221, plus strand): 5'-ACAGGCCAGGGCATGGACTGACCTGCTTCCTGTGCTCCTCCAGGAAGACGTGAGGAGGGC[G>A]AAGAAGGAATTTCATTTGACACGGAGGAGGAGCGGCAGCAGTGGGAAGATGACCAGAGGG-3'
Protein context (NP_054722.2, residues 291-311): SRGRGRREEG[Glu301Lys]EGISFDTEEE